The following is an entry in ClinVar:

NM_004606.5(TAF1):c.2738A>G (p.Glu913Gly)

Gene: TAF1 (TATA-box binding protein associated factor 1; plus strand). Cytogenetic location: Xq13.1.
Variant type: single nucleotide variant.
Coding change: c.2738A>G on transcript NM_004606.5 (MANE Select); coding-DNA position 2738, A replaced by G.
Protein change: p.Glu913Gly; replaces glutamic acid 913 with glycine.
Molecular consequence: missense variant. On other transcripts: non-coding transcript variant (9).
Genome position (GRCh38, 1-based): chrX:71,389,622, A>G. VCF-style: chrX-71389622-A-G. GRCh37 (hg19) VCF-style: chrX-70609472-A-G.
Other names: c.2738A>G, p.Glu913Gly (NM_001286074.2, NM_001440852.1, NM_001440853.1); c.2675A>G, p.Glu892Gly (NM_001440854.1, NM_138923.4); short protein forms E892G, E913G.
Identifiers: ClinVar variation 4743650 (VCV004743650.1).
Genomic context (GRCh38, chrX:71,389,622, plus strand): 5'-TGCATGGATCTGTCCTCTTCCAGGATGCTGGCTATGGTGAGAAATCCTTTTTTGCTCCAG[A>G]AGAAGAAAATGAGGAAGATTTCCAGATGAAGATTGATGATGAAGTAAGGCTTTATACTAG-3'
Protein context (NP_004597.3, residues 903-923): GYGEKSFFAP[Glu913Gly]EENEEDFQMK

ClinVar aggregate classification (germline): Uncertain significance (1 of 4 stars; one submission).

Submission:

Labcorp Genetics (formerly Invitae), Labcorp
Classification: Uncertain significance. Last evaluated: 2025-04-17. Review status: criteria provided, single submitter. Criteria: Invitae Variant Classification Sherloc (09022015). Collection method: clinical testing. Allele origin: germline.
Comment: This sequence change replaces glutamic acid, which is acidic and polar, with glycine, which is neutral and non-polar, at codon 933 of the TAF1 protein (p.Glu933Gly). This variant is not present in population databases (gnomAD no frequency). This variant has not been reported in the literature in individuals affected with TAF1-related conditions. Invitae Evidence Modeling of protein sequence and biophysical properties (such as structural, functional, and spatial information, amino acid conservation, physicochemical variation, residue mobility, and thermodynamic stability) indicates that this missense variant is not expected to disrupt TAF1 protein function with a negative predictive value of 80%. In summary, the available evidence is currently insufficient to determine the role of this variant in disease. Therefore, it has been classified as a Variant of Uncertain Significance.